The following is an entry in ClinVar:

NM_006895.3(HNMT):c.3G>A (p.Met1Ile)

Gene: HNMT (histamine N-methyltransferase; plus strand). Cytogenetic location: 2q22.1.
Variant type: single nucleotide variant.
Coding change: c.3G>A on transcript NM_006895.3 (MANE Select); coding-DNA position 3, G replaced by A.
Protein change: p.Met1Ile; changes the start codon (methionine 1).
Molecular consequence: missense variant, initiator codon variant.
Genome position (GRCh38, 1-based): chr2:137,964,494, G>A. VCF-style: chr2-137964494-G-A. GRCh37 (hg19) VCF-style: chr2-138722064-G-A.
Other names: c.3G>A, p.Met1Ile (NM_001024074.3, NM_001024075.3); short protein forms M1I.
Identifiers: ClinVar variation 2692434 (VCV002692434.2), dbSNP rs375610973, ClinGen allele CA1891583.

ClinVar aggregate classification (germline): Uncertain significance. Review status: criteria provided, multiple submitters, no conflicts (2 of 4 stars). 2 submissions from 2 submitters: Uncertain significance (2). Last evaluated 2025-11-07.

Allele frequency attached by ClinVar (database versions not stated): TOPMed 0.00007; ESP Exome Variant Server 0.00008; gnomAD exomes below 0.00001; ExAC 0.00003; gnomAD 0.00007.

Submissions (2):

Women's Health and Genetics/Laboratory Corporation of America, LabCorp
Classification: Uncertain significance. Last evaluated: 2025-11-07. Review status: criteria provided, single submitter. Criteria: LabCorp Variant Classification Summary - May 2015. Collection method: clinical testing. Allele origin: germline.
Comment: Variant summary: HNMT c.3G>A (p.Met1Ile) alters the initiation codon and is predicted to result either in absence of the protein or truncation of the encoded protein due to translation initiation at a downstream codon. The next downstream in-frame Met is found at codon 5. No likely pathogenic/pathogenic variants upstream of this codon have been classified. The variant allele was found at a frequency of 2.4e-05 in 250350 control chromosomes (gnomAD). The available data on variant occurrences in the general population are insufficient to allow any conclusion about variant significance. To our knowledge, no occurrence of c.3G>A in individuals affected with HNMT-related conditions and no experimental evidence demonstrating its impact on protein function have been reported. ClinVar contains an entry for this variant (Variation ID: 2692434). Based on the evidence outlined above, the variant was classified as uncertain significance.

Greenwood Genetic Center Diagnostic Laboratories, Greenwood Genetic Center
Classification: Uncertain significance. Last evaluated: 2023-11-02. Review status: criteria provided, single submitter. Criteria: ACMG Guidelines, 2015. Collection method: clinical testing. Allele origin: germline. Affected: yes.
Comment: PM2